The following is an entry in ClinVar:

NM_000535.7(PMS2):c.1743A>C (p.Lys581Asn)

Gene: PMS2 (PMS1 homolog 2, mismatch repair system component; minus strand). Cytogenetic location: 7p22.1.
Variant type: single nucleotide variant.
Coding change: c.1743A>C on transcript NM_000535.7 (MANE Select); coding-DNA position 1743, A replaced by C.
Protein change: p.Lys581Asn; replaces lysine 581 with asparagine.
Molecular consequence: missense variant. On other transcripts: non-coding transcript variant (1).
Genome position (GRCh38, 1-based): chr7:5,987,022, T>G on the plus strand (A>C on the coding strand, the complement: PMS2 is on the minus strand). VCF-style: chr7-5987022-T-G. GRCh37 (hg19) VCF-style: chr7-6026653-T-G.
Other names: c.1743A>C, p.Lys581Asn (NM_001322014.2, NM_001406871.1, NM_001406872.1); c.1434A>C, p.Lys478Asn (NM_001322015.2, NM_001406875.1, NM_001406877.1 and 5 more transcripts); c.1929A>C, p.Lys643Asn (NM_001406866.1); c.1767A>C, p.Lys589Asn (NM_001406868.1); c.1635A>C, p.Lys545Asn (NM_001406869.1); c.1587A>C, p.Lys529Asn (NM_001406870.1, NM_001322006.2); c.1545A>C, p.Lys515Asn (NM_001406873.1); c.1575A>C, p.Lys525Asn (NM_001406874.1); and 12 more; short protein forms K270N, K324N, K390N, K394N, K410N, K423N, K426N, K446N.
Identifiers: ClinVar variation 1713483 (VCV001713483.5), dbSNP rs2128724251, ClinGen allele CA366740075.
Genomic context (GRCh38, chr7:5,987,022, plus strand): 5'-TGACATGTCCTGAGTATTTACTAACTTTTGACAAATGTCAGAACTGGAAAGAATTTCTTC[T>G]TTTTTAAAACGCTTTGTGTTTGGGGTTGCGAGATTAGTTGGCTGAGGCAAAACTCGAAAT-3'
Protein context (NP_000526.2, residues 571-591): LATPNTKRFK[Lys581Asn]EEILSSSDIC

ClinVar aggregate classification (germline): Uncertain significance (1 of 4 stars; one submission).

Conditions:
Hereditary nonpolyposis colorectal neoplasms. Identifiers: MedGen C0009405, MeSH D003123.

Submission:

Labcorp Genetics (formerly Invitae), Labcorp
Classification: Uncertain significance for Hereditary nonpolyposis colorectal neoplasms. Last evaluated: 2022-07-23. Review status: criteria provided, single submitter. Criteria: Invitae Variant Classification Sherloc (09022015). Collection method: clinical testing. Allele origin: germline.
Comment: In summary, the available evidence is currently insufficient to determine the role of this variant in disease. Therefore, it has been classified as a Variant of Uncertain Significance. Advanced modeling of protein sequence and biophysical properties (such as structural, functional, and spatial information, amino acid conservation, physicochemical variation, residue mobility, and thermodynamic stability) performed at Invitae indicates that this missense variant is not expected to disrupt PMS2 protein function. This variant has not been reported in the literature in individuals affected with PMS2-related conditions. This variant is not present in population databases (gnomAD no frequency). This sequence change replaces lysine, which is basic and polar, with asparagine, which is neutral and polar, at codon 581 of the PMS2 protein (p.Lys581Asn).